The following is an entry in ClinVar:

NM_002439.5(MSH3):c.2338T>G (p.Phe780Val)

Gene: MSH3 (mutS homolog 3; plus strand). Cytogenetic location: 5q14.1.
Variant type: single nucleotide variant.
Coding change: c.2338T>G on transcript NM_002439.5 (MANE Select); coding-DNA position 2338, T replaced by G.
Protein change: p.Phe780Val; replaces phenylalanine 780 with valine.
Molecular consequence: missense variant.
Genome position (GRCh38, 1-based): chr5:80,778,739, T>G. VCF-style: chr5-80778739-T-G. GRCh37 (hg19) VCF-style: chr5-80074558-T-G.
Other names: short protein forms F780V.
Identifiers: ClinVar variation 1789806 (VCV001789806.2), dbSNP rs1463685041, ClinGen allele CA360281738.

ClinVar aggregate classification (germline): Uncertain significance (1 of 4 stars; one submission).

Conditions:
Hereditary cancer-predisposing syndrome. Also called: Hereditary Cancer Syndrome; Hereditary neoplastic syndrome; Tumor predisposition; Neoplastic Syndromes, Hereditary. Identifiers: Orphanet 140162, MedGen C0027672, MeSH D009386, MONDO:0015356.

Allele frequency attached by ClinVar (database versions not stated): TOPMed below 0.00001.

Submission:

Ambry Genetics
Classification: Uncertain significance for Hereditary cancer-predisposing syndrome. Last evaluated: 2021-12-10. Review status: criteria provided, single submitter. Criteria: Ambry Variant Classification Scheme 2023. Collection method: clinical testing. Allele origin: germline.
Comment: The p.F780V variant (also known as c.2338T>G), located in coding exon 17 of the MSH3 gene, results from a T to G substitution at nucleotide position 2338. The phenylalanine at codon 780 is replaced by valine, an amino acid with highly similar properties. This amino acid position is conserved. In addition, this alteration is predicted to be deleterious by in silico analysis. Since supporting evidence is limited at this time, the clinical significance of this alteration remains unclear.